The following is an entry in ClinVar:

ClinVar aggregate classification (germline): Uncertain significance (1 of 4 stars; one submission).

Conditions:
Dilated cardiomyopathy 1G (CMD1G). Identifiers: Orphanet 154, MedGen C1858763, MONDO:0011400, OMIM 604145.
Autosomal recessive limb-girdle muscular dystrophy type 2J (LGMDR10). Also called: Limb-girdle muscular dystrophy, type 2J; MUSCULAR DYSTROPHY, LIMB-GIRDLE, AUTOSOMAL RECESSIVE 10. Identifiers: Orphanet 140922, MedGen C1837342, MONDO:0012127, OMIM 608807.

Allele frequency attached by ClinVar (database versions not stated): gnomAD exomes below 0.00001.
gnomAD v4.1: 1 of 1,605,714 alleles (0.000062%); highest among the groups gnomAD compares: Non-Finnish European, 0.000085%; no homozygotes.

Submission:

Labcorp Genetics (formerly Invitae), Labcorp
Classification: Uncertain significance for Dilated cardiomyopathy 1G; Autosomal recessive limb-girdle muscular dystrophy type 2J. Last evaluated: 2023-09-22. Review status: criteria provided, single submitter. Criteria: Invitae Variant Classification Sherloc (09022015). Collection method: clinical testing. Allele origin: germline.
Comment: This variant has not been reported in the literature in individuals affected with TTN-related conditions. This sequence change falls in intron 306 of the TTN gene. It does not directly change the encoded amino acid sequence of the TTN protein. It affects a nucleotide within the consensus splice site. This variant is not present in population databases (gnomAD no frequency). ClinVar contains an entry for this variant (Variation ID: 949943). Variants that disrupt the consensus splice site are a relatively common cause of aberrant splicing (PMID: 17576681, 9536098). Algorithms developed to predict the effect of sequence changes on RNA splicing suggest that this variant may disrupt the consensus splice site. This variant is located in the A band of TTN (PMID: 25589632). Variants in this region may be relevant for cardiac or neuromuscular disorders (PMID: 25589632, 23975875). In summary, the available evidence is currently insufficient to determine the role of this variant in disease. Therefore, it has been classified as a Variant of Uncertain Significance.

Literature cited by the submitters: PubMed 17576681; PubMed 9536098; PubMed 25589632; PubMed 23975875.

NM_001267550.2(TTN):c.63793+5G>A

Genes: TTN (titin; minus strand), TTN-AS1 (TTN antisense RNA 1; plus strand). Cytogenetic location: 2q31.2.
Variant type: single nucleotide variant.
Coding change: c.63793+5G>A on transcript NM_001267550.2 (MANE Select); 5 bases into the intron after coding-DNA position 63793, G replaced by A.
Molecular consequence: intron variant.
Genome position (GRCh38, 1-based): chr2:178,587,511, C>T on the plus strand (G>A on the coding strand, the complement: TTN is on the minus strand). VCF-style: chr2-178587511-C-T. GRCh37 (hg19) VCF-style: chr2-179452238-C-T.
Other names: c.36598+5G>A (NM_003319.4); c.37174+5G>A (NM_133437.4); c.36973+5G>A (NM_133432.3); c.56089+5G>A (NM_133378.4); c.58870+5G>A (NM_001256850.1).
Identifiers: ClinVar variation 949943 (VCV000949943.10), dbSNP rs2049296291, ClinGen allele CA1139657446.